The following is an entry in ClinVar:

ClinVar aggregate classification (germline): Uncertain significance (1 of 4 stars; one submission).

Submission:

Labcorp Genetics (formerly Invitae), Labcorp
Classification: Uncertain significance. Last evaluated: 2023-10-13. Review status: criteria provided, single submitter. Criteria: Invitae Variant Classification Sherloc (09022015). Collection method: clinical testing. Allele origin: germline.
Comment: This sequence change replaces glutamine, which is neutral and polar, with arginine, which is basic and polar, at codon 1843 of the KAT6A protein (p.Gln1843Arg). This variant is not present in population databases (gnomAD no frequency). This variant has not been reported in the literature in individuals affected with KAT6A-related conditions. Experimental studies and prediction algorithms are not available or were not evaluated, and the functional significance of this variant is currently unknown. In summary, the available evidence is currently insufficient to determine the role of this variant in disease. Therefore, it has been classified as a Variant of Uncertain Significance.

NM_006766.5(KAT6A):c.5528A>G (p.Gln1843Arg)

Gene: KAT6A (lysine acetyltransferase 6A; minus strand). Cytogenetic location: 8p11.21.
Variant type: single nucleotide variant.
Coding change: c.5528A>G on transcript NM_006766.5 (MANE Select); coding-DNA position 5528, A replaced by G.
Protein change: p.Gln1843Arg; replaces glutamine 1843 with arginine.
Molecular consequence: missense variant.
Genome position (GRCh38, 1-based): chr8:41,932,692, T>C on the plus strand (A>G on the coding strand, the complement: KAT6A is on the minus strand). VCF-style: chr8-41932692-T-C. GRCh37 (hg19) VCF-style: chr8-41790210-T-C.
Other names: short protein forms Q1843R.
Identifiers: ClinVar variation 2847792 (VCV002847792.3), dbSNP rs2486751442, ClinGen allele CA371061897.